The following is an entry in ClinVar:

ClinVar aggregate classification (germline): Uncertain significance (1 of 4 stars; one submission).

Allele frequency attached by ClinVar (database versions not stated): TOPMed below 0.00001; gnomAD 0.00001.
gnomAD v4.1: 3 of 1,613,872 alleles (0.00019%); highest among the groups gnomAD compares: Non-Finnish European, 0.00025%; no homozygotes.

Submission:

GeneDx
Classification: Uncertain significance. Last evaluated: 2023-12-02. Review status: criteria provided, single submitter. Criteria: GeneDx Variant Classification Process June 2021. Collection method: clinical testing. Allele origin: germline. Affected: yes.
Comment: Not observed at significant frequency in large population cohorts (gnomAD); In silico analysis supports that this missense variant has a deleterious effect on protein structure/function; Has not been previously published as pathogenic or benign to our knowledge

NM_207037.2(TCF12):c.1333C>A (p.Pro445Thr)

Gene: TCF12 (transcription factor 12; plus strand). Cytogenetic location: 15q21.3.
Variant type: single nucleotide variant.
Coding change: c.1333C>A on transcript NM_207037.2 (MANE Select); coding-DNA position 1333, C replaced by A.
Protein change: p.Pro445Thr; replaces proline 445 with threonine.
Molecular consequence: missense variant.
Genome position (GRCh38, 1-based): chr15:57,253,334, C>A. VCF-style: chr15-57253334-C-A. GRCh37 (hg19) VCF-style: chr15-57545532-C-A.
Other names: c.823C>A, p.Pro275Thr (NM_001306219.3); c.553C>A, p.Pro185Thr (NM_001306220.3); c.1333C>A, p.Pro445Thr (NM_001322151.2, NM_001322152.2, NM_001322159.3 and 2 more transcripts); c.676C>A, p.Pro226Thr (NM_001322154.2); c.1159C>A, p.Pro387Thr (NM_001322156.2); c.1261C>A, p.Pro421Thr (NM_001322157.3, NM_001322165.2, NM_003205.4 and 1 more transcripts); c.1087C>A, p.Pro363Thr (NM_001322158.2); c.1330C>A, p.Pro444Thr (NM_001322161.2); and 2 more; short protein forms P185T, P226T, P251T, P275T, P363T, P387T, P421T, P433T.
Identifiers: ClinVar variation 3253528 (VCV003253528.1), dbSNP rs1275608386.
Genomic context (GRCh38, chr15:57,253,334, plus strand): 5'-GAGGATCGTTTAGACAGACTGGATGATGCAATCCATGTGCTGCGGAACCATGCTGTGGGA[C>A]CTTCCACCAGTTTGCCTGCTGGTCACAGTGATATACATAGTTTATTGGGACCATCCCATA-3'
Protein context (NP_996920.1, residues 435-455): IHVLRNHAVG[Pro445Thr]STSLPAGHSD